The following is an entry in ClinVar:

NM_006734.4(HIVEP2):c.478C>A (p.Pro160Thr)

Gene: HIVEP2 (HIVEP zinc finger 2; minus strand). Cytogenetic location: 6q24.2.
Variant type: single nucleotide variant.
Coding change: c.478C>A on transcript NM_006734.4 (MANE Select); coding-DNA position 478, C replaced by A.
Protein change: p.Pro160Thr; replaces proline 160 with threonine.
Molecular consequence: missense variant.
Genome position (GRCh38, 1-based): chr6:142,774,261, G>T on the plus strand (C>A on the coding strand, the complement: HIVEP2 is on the minus strand). VCF-style: chr6-142774261-G-T. GRCh37 (hg19) VCF-style: chr6-143095398-G-T.
Other names: short protein forms P160T.
Identifiers: ClinVar variation 3059731 (VCV003059731.4), dbSNP rs200228489, ClinGen allele CA4028728.

ClinVar aggregate classification (germline): Benign. Review status: criteria provided, single submitter (1 of 4 stars). 2 submissions from 2 submitters: Benign (1). 1 of the submissions does not count toward it. Last evaluated 2024-10-24.

Conditions:
HIVEP2-related disorder. Also called: HIVEP2-related condition.

Allele frequency attached by ClinVar (database versions not stated): ESP Exome Variant Server 0.00008.
gnomAD v4.1: 194 of 1,614,038 alleles (0.012%); highest among the groups gnomAD compares: Non-Finnish European, 0.0031%; no homozygotes.

Submissions (2):

Labcorp Genetics (formerly Invitae), Labcorp
Classification: Benign. Last evaluated: 2024-10-24. Review status: criteria provided, single submitter. Criteria: Invitae Variant Classification Sherloc (09022015). Collection method: clinical testing. Allele origin: germline.

PreventionGenetics, part of Exact Sciences
Classification: Likely benign for HIVEP2-related condition. Last evaluated: 2022-11-13. Review status: no assertion criteria provided. Collection method: clinical testing. Allele origin: germline. Not counted in ClinVar's aggregate classification.
Comment: This variant is classified as likely benign based on ACMG/AMP sequence variant interpretation guidelines (Richards et al. 2015 PMID: 25741868, with internal and published modifications).